The following is an entry in ClinVar:

NM_002972.4(SBF1):c.3940A>G (p.Ser1314Gly)

Gene: SBF1 (SET binding factor 1; minus strand). Cytogenetic location: 22q13.33.
Variant type: single nucleotide variant.
Coding change: c.3940A>G on transcript NM_002972.4 (MANE Select); coding-DNA position 3940, A replaced by G.
Protein change: p.Ser1314Gly; replaces serine 1314 with glycine.
Molecular consequence: missense variant.
Genome position (GRCh38, 1-based): chr22:50,456,638, T>C on the plus strand (A>G on the coding strand, the complement: SBF1 is on the minus strand). VCF-style: chr22-50456638-T-C. GRCh37 (hg19) VCF-style: chr22-50895067-T-C.
Other names: c.3865A>G, p.Ser1289Gly (NM_001365819.1); short protein forms S1289G, S1314G.
Identifiers: ClinVar variation 730967 (VCV000730967.23), dbSNP rs200718883, ClinGen allele CA10316467.

ClinVar aggregate classification (germline): Conflicting classifications of pathogenicity. Review status: criteria provided, conflicting classifications (1 of 4 stars). 5 submissions from 5 submitters: Uncertain significance (1); Benign (1); Likely benign (2). 1 of the submissions does not count toward it. Last evaluated 2026-01-27.

Conditions:
SBF1-related disorder. Also called: SBF1-related condition.
Charcot-Marie-Tooth disease type 4B3. Also called: CHARCOT-MARIE-TOOTH DISEASE, DEMYELINATING, TYPE 4B3; Charcot-Marie-Tooth Neuropathy Type 4B3. Identifiers: Orphanet 363981, MedGen C3695063, MONDO:0014117, OMIM 615284.

Allele frequency attached by ClinVar (database versions not stated): 1000 Genomes Project 0.00020; ESP Exome Variant Server 0.00032; TOPMed 0.00040; 1000 Genomes Project 30x 0.00047; gnomAD exomes 0.00057 and 0.00087; gnomAD 0.00084 and 0.00088; ExAC 0.00103.

Submissions (5):

Labcorp Genetics (formerly Invitae), Labcorp
Classification: Benign. Last evaluated: 2026-01-27. Review status: criteria provided, single submitter. Criteria: Invitae Variant Classification Sherloc (09022015). Collection method: clinical testing. Allele origin: germline.

Blueprint Genetics
Classification: Likely benign. Last evaluated: 2024-11-25. Review status: criteria provided, single submitter. Criteria: ACMG Guidelines, 2015. Collection method: clinical testing. Allele origin: germline.

GeneDx
Classification: Likely benign. Last evaluated: 2018-08-13. Review status: criteria provided, single submitter. Criteria: GeneDx Variant Classification Process June 2021. Collection method: clinical testing. Allele origin: germline. Affected: yes.

ARUP Laboratories, Molecular Genetics and Genomics, ARUP Laboratories
Classification: Uncertain significance for Charcot-Marie-Tooth disease type 4B3. Last evaluated: 2018-07-23. Review status: criteria provided, single submitter. Criteria: ARUP Molecular Germline Variant Investigation Process. Collection method: clinical testing. Allele origin: germline.
Comment: The SBF1 c.3940A>G; p.Ser1314Gly variant (rs200718883), to our knowledge, is not reported in the medical literature or gene specific databases. This variant is found in the Finnish European population with an overall allele frequency of 0.55% (93/16894 alleles, including 1 homozygote) in the Genome Aggregation Database. The serine at codon 1314 is weakly conserved, it occurs as a glycine in several vertebrate species, and computational analyses (SIFT, PolyPhen-2) predict that this variant is tolerated. However, due to limited information, the clinical significance of the p.Ser1314Gly variant is uncertain at this time.

PreventionGenetics, part of Exact Sciences
Classification: Likely benign for SBF1-related condition. Last evaluated: 2019-06-17. Review status: no assertion criteria provided. Collection method: clinical testing. Allele origin: germline. Not counted in ClinVar's aggregate classification.
Comment: This variant is classified as likely benign based on ACMG/AMP sequence variant interpretation guidelines (Richards et al. 2015 PMID: 25741868, with internal and published modifications).